The following is an entry in ClinVar:

ClinVar aggregate classification (germline): Uncertain significance (0 of 4 stars; one submission).

Conditions:
ALMS1-related disorder. Also called: ALMS1-related condition.

Submission:

PreventionGenetics, part of Exact Sciences
Classification: Uncertain significance for ALMS1-related condition. Last evaluated: 2024-07-26. Review status: no assertion criteria provided. Collection method: clinical testing. Allele origin: germline.
Comment: The ALMS1 c.10031C>T variant is predicted to result in the amino acid substitution p.Ala3344Val. To our knowledge, this variant has not been reported in the literature or in a large population database, indicating this variant is rare. At this time, the clinical significance of this variant is uncertain due to the absence of conclusive functional and genetic evidence.

NM_001378454.1(ALMS1):c.10028C>T (p.Thr3343Ile)

Gene: ALMS1 (ALMS1 centrosome and basal body associated protein; plus strand). Cytogenetic location: 2p13.1.
Variant type: single nucleotide variant.
Coding change: c.10028C>T on transcript NM_001378454.1 (MANE Select); coding-DNA position 10028, C replaced by T.
Protein change: p.Thr3343Ile; replaces threonine 3343 with isoleucine.
Molecular consequence: missense variant.
Genome position (GRCh38, 1-based): chr2:73,550,387, C>T. VCF-style: chr2-73550387-C-T. GRCh37 (hg19) VCF-style: chr2-73777514-C-T.
Other names: c.10031C>T, p.Thr3344Ile (NM_015120.4); short protein forms T3343I, T3344I.
Identifiers: ClinVar variation 3344564 (VCV003344564.1).